The following is an entry in ClinVar:

ClinVar aggregate classification (germline): Uncertain significance (1 of 4 stars; one submission).

Conditions:
Immunodeficiency, common variable, 10. Also called: IMMUNODEFICIENCY, COMMON VARIABLE, WITH CENTRAL ADRENAL INSUFFICIENCY; DEFICIT IN ANTERIOR PITUITARY FUNCTION AND VARIABLE IMMUNODEFICIENCY. Identifiers: MedGen C3809991, MONDO:0014260, OMIM 615577.

Allele frequency attached by ClinVar (database versions not stated): gnomAD 0.00002; TOPMed 0.00002; ExAC 0.00007.
gnomAD v4.1: 23 of 1,602,168 alleles (0.0014%); highest among the groups gnomAD compares: East Asian, 0.025%; no homozygotes.

Submission:

Labcorp Genetics (formerly Invitae), Labcorp
Classification: Uncertain significance for Immunodeficiency, common variable, 10. Last evaluated: 2022-08-04. Review status: criteria provided, single submitter. Criteria: Invitae Variant Classification Sherloc (09022015). Collection method: clinical testing. Allele origin: germline.
Comment: In summary, the available evidence is currently insufficient to determine the role of this variant in disease. Therefore, it has been classified as a Variant of Uncertain Significance. Algorithms developed to predict the effect of missense changes on protein structure and function are either unavailable or do not agree on the potential impact of this missense change (SIFT: "Deleterious"; PolyPhen-2: "Benign"; Align-GVGD: "Class C0"). This variant has not been reported in the literature in individuals affected with NFKB2-related conditions. This variant is present in population databases (rs775379081, gnomAD 0.06%), and has an allele count higher than expected for a pathogenic variant. This sequence change replaces arginine, which is basic and polar, with histidine, which is basic and polar, at codon 160 of the NFKB2 protein (p.Arg160His).

NM_001322934.2(NFKB2):c.479G>A (p.Arg160His)

Gene: NFKB2 (nuclear factor kappa B subunit 2; plus strand). Cytogenetic location: 10q24.32.
Variant type: single nucleotide variant.
Coding change: c.479G>A on transcript NM_001322934.2 (MANE Select); coding-DNA position 479, G replaced by A.
Protein change: p.Arg160His; replaces arginine 160 with histidine.
Molecular consequence: missense variant.
Genome position (GRCh38, 1-based): chr10:102,397,385, G>A. VCF-style: chr10-102397385-G-A. GRCh37 (hg19) VCF-style: chr10-104157142-G-A.
Other names: c.479G>A, p.Arg160His (NM_001077493.1, NM_001077494.3, NM_001261403.3 and 3 more transcripts); short protein forms R160H.
Identifiers: ClinVar variation 1965002 (VCV001965002.5), dbSNP rs775379081, ClinGen allele CA5664543.